The following is an entry in ClinVar:

ClinVar aggregate classification (germline): Likely benign (1 of 4 stars; one submission).

Allele frequency attached by ClinVar (database versions not stated): 1000 Genomes Project 0.00120; 1000 Genomes Project 30x 0.00141; TOPMed 0.00354; gnomAD 0.00442; ESP Exome Variant Server 0.00473; gnomAD exomes 0.00548; ExAC 0.00725.
gnomAD v4.1: 8,501 of 1,595,612 alleles (0.53%); highest among the groups gnomAD compares: Non-Finnish European, 0.61%; 16 homozygotes.

Submission:

CeGaT Center for Human Genetics Tuebingen
Classification: Likely benign. Last evaluated: 2023-02-01. Review status: criteria provided, single submitter. Criteria: CeGaT Center For Human Genetics Tuebingen Variant Classification Criteria Version 2. Collection method: clinical testing. Allele origin: germline. Affected: yes. Observed: 1 variant allele.
Comment: CLNK: BP4, BP7

NM_052964.4(CLNK):c.1191T>C (p.Ile397=)

Gene: CLNK (cytokine dependent hematopoietic cell linker; minus strand). Cytogenetic location: 4p16.1.
Variant type: single nucleotide variant.
Coding change: c.1191T>C on transcript NM_052964.4 (MANE Select); coding-DNA position 1191, T replaced by C.
Protein change: p.Ile397=; no amino-acid change (isoleucine 397 retained).
Molecular consequence: synonymous variant.
Genome position (GRCh38, 1-based): chr4:10,490,563, A>G on the plus strand (T>C on the coding strand, the complement: CLNK is on the minus strand). VCF-style: chr4-10490563-A-G. GRCh37 (hg19) VCF-style: chr4-10492187-A-G.
Identifiers: ClinVar variation 2654671 (VCV002654671.24), dbSNP rs189381725, ClinGen allele CA2859055.